The following is an entry in ClinVar:

ClinVar aggregate classification (germline): Uncertain significance. Review status: criteria provided, multiple submitters, no conflicts (2 of 4 stars). 2 submissions from 2 submitters: Uncertain significance (2). Last evaluated 2025-09-02.

Submissions (2):

Labcorp Genetics (formerly Invitae), Labcorp
Classification: Uncertain significance. Last evaluated: 2025-09-02. Review status: criteria provided, single submitter. Criteria: Invitae Variant Classification Sherloc (09022015). Collection method: clinical testing. Allele origin: germline.
Comment: This sequence change replaces serine, which is neutral and polar, with leucine, which is neutral and non-polar, at codon 445 of the CHM protein (p.Ser445Leu). This variant is not present in population databases (gnomAD no frequency). This variant has not been reported in the literature in individuals affected with CHM-related conditions. ClinVar contains an entry for this variant (Variation ID: 1942416). Invitae Evidence Modeling of protein sequence and biophysical properties (such as structural, functional, and spatial information, amino acid conservation, physicochemical variation, residue mobility, and thermodynamic stability) indicates that this missense variant is not expected to disrupt CHM protein function with a negative predictive value of 80%. In summary, the available evidence is currently insufficient to determine the role of this variant in disease. Therefore, it has been classified as a Variant of Uncertain Significance.

Dasa
Classification: Uncertain significance. Last evaluated: 2025-07-01. Review status: criteria provided, single submitter. Criteria: DASA Assertion Criteria. Collection method: clinical testing. Allele origin: germline.
Comment: NM_000390.4(CHM):c.1334C>T (p.Ser445Leu) is a missense variant that results in the substitution of serine with leucine. This variant is absent from population databases. Computational prediction algorithms are consistent with a benign effect. The currently available literature and clinical evidence are not sufficient to establish a definitive association between this variant and the reported condition. Therefore, this variant is classified as a variant of uncertain significance.

NM_000390.4(CHM):c.1334C>T (p.Ser445Leu)

Gene: CHM (CHM Rab escort protein; minus strand). Cytogenetic location: Xq21.2.
Variant type: single nucleotide variant.
Coding change: c.1334C>T on transcript NM_000390.4 (MANE Select); coding-DNA position 1334, C replaced by T.
Protein change: p.Ser445Leu; replaces serine 445 with leucine.
Molecular consequence: missense variant.
Genome position (GRCh38, 1-based): chrX:85,901,099, G>A on the plus strand (C>T on the coding strand, the complement: CHM is on the minus strand). VCF-style: chrX-85901099-G-A. GRCh37 (hg19) VCF-style: chrX-85156104-G-A.
Other names: c.890C>T, p.Ser297Leu (NM_001320959.1, NM_001362517.1, NM_001362518.2 and 1 more transcripts); short protein forms S297L, S445L.
Identifiers: ClinVar variation 1942416 (VCV001942416.5), dbSNP rs1057520629, ClinGen allele CA413789582.